The following is an entry in ClinVar:

NM_032119.4(ADGRV1):c.1903dup (p.Glu635fs)

Gene: ADGRV1 (adhesion G protein-coupled receptor V1; plus strand). Cytogenetic location: 5q14.3.
Variant type: Duplication.
Coding change: c.1903dup on transcript NM_032119.4 (MANE Select); coding-DNA position 1903, one base duplicated (G; older notation c.1903dupG).
Protein change: p.Glu635fs; shifts the reading frame from glutamic acid 635.
Molecular consequence: frameshift variant. On other transcripts: non-coding transcript variant (1).
Genome position (GRCh38, 1-based): chr5:90,635,177, G duplicated; the last of 4 consecutive G bases (chr5:90,635,174-90,635,177); duplicating any one gives the same sequence. VCF-style (leftmost placement, unchanged base first): chr5-90635173-T-TG. GRCh37 (hg19) VCF-style: chr5-89930990-T-TG.
Other names: short protein forms E635fs.
Identifiers: ClinVar variation 1457458 (VCV001457458.6), dbSNP rs2149401562, ClinGen allele CA2573139984.

ClinVar aggregate classification (germline): Pathogenic (1 of 4 stars; one submission).

Submission:

Labcorp Genetics (formerly Invitae), Labcorp
Classification: Pathogenic. Last evaluated: 2025-03-17. Review status: criteria provided, single submitter. Criteria: Invitae Variant Classification Sherloc (09022015). Collection method: clinical testing. Allele origin: germline.
Comment: This sequence change creates a premature translational stop signal (p.Glu635Glyfs*30) in the ADGRV1 gene. It is expected to result in an absent or disrupted protein product. Loss-of-function variants in ADGRV1 are known to be pathogenic (PMID: 19357117, 22135276, 22147658, 26226137, 30718709, 31047384, 32467589). This variant is not present in population databases (gnomAD no frequency). This variant has not been reported in the literature in individuals affected with ADGRV1-related conditions. ClinVar contains an entry for this variant (Variation ID: 1457458). Algorithms developed to predict the effect of sequence changes on RNA splicing suggest that this variant may disrupt the consensus splice site. For these reasons, this variant has been classified as Pathogenic.

Literature cited by the submitters: PubMed 19357117; PubMed 22135276; PubMed 22147658; PubMed 26226137; PubMed 30718709; PubMed 31047384; PubMed 32467589.